The following is an entry in ClinVar:

ClinVar aggregate classification (germline): Conflicting classifications of pathogenicity. Review status: criteria provided, conflicting classifications (1 of 4 stars). 2 submissions from 2 submitters: Uncertain significance (1); Likely benign (1). Last evaluated 2024-12-09.

Conditions:
Autism spectrum disorder. Also called: Autism spectrum disorders. Identifiers: MedGen C1510586, MeSH D000067877, MONDO:0005258.

gnomAD v4.1: 1 of 1,612,706 alleles (0.000062%); highest among the groups gnomAD compares: Non-Finnish European, 0.000085%; no homozygotes.

Submissions (2):

Labcorp Genetics (formerly Invitae), Labcorp
Classification: Uncertain significance. Last evaluated: 2024-12-09. Review status: criteria provided, single submitter. Criteria: Invitae Variant Classification Sherloc (09022015). Collection method: clinical testing. Allele origin: germline.
Comment: This sequence change replaces aspartic acid, which is acidic and polar, with tyrosine, which is neutral and polar, at codon 371 of the MTOR protein (p.Asp371Tyr). This variant is not present in population databases (gnomAD no frequency). This variant has not been reported in the literature in individuals affected with MTOR-related conditions. ClinVar contains an entry for this variant (Variation ID: 2085470). Invitae Evidence Modeling of protein sequence and biophysical properties (such as structural, functional, and spatial information, amino acid conservation, physicochemical variation, residue mobility, and thermodynamic stability) indicates that this missense variant is not expected to disrupt MTOR protein function with a negative predictive value of 95%. In summary, the available evidence is currently insufficient to determine the role of this variant in disease. Therefore, it has been classified as a Variant of Uncertain Significance.

Department of Genetics, Rouen University Hospital, Normandy Center for Genomic and Personalized Medicine
Classification: Likely benign for Autism spectrum disorder. Last evaluated: 2022-08-05. Review status: criteria provided, single submitter. Criteria: ACMG Guidelines, 2015. Collection method: clinical testing. Allele origin: paternal. Affected: yes.

NM_004958.4(MTOR):c.1111G>T (p.Asp371Tyr)

Gene: MTOR (mechanistic target of rapamycin kinase; minus strand). Cytogenetic location: 1p36.22.
Variant type: single nucleotide variant.
Coding change: c.1111G>T on transcript NM_004958.4 (MANE Select); coding-DNA position 1111, G replaced by T.
Protein change: p.Asp371Tyr; replaces aspartic acid 371 with tyrosine.
Molecular consequence: missense variant. On other transcripts: 5 prime UTR variant (1).
Genome position (GRCh38, 1-based): chr1:11,247,824, C>A on the plus strand (G>T on the coding strand, the complement: MTOR is on the minus strand). VCF-style: chr1-11247824-C-A. GRCh37 (hg19) VCF-style: chr1-11307881-C-A.
Other names: c.1111G>T, p.Asp371Tyr (NM_001386500.1); c.-29G>T (NM_001386501.1); short protein forms D371Y.
Identifiers: ClinVar variation 2085470 (VCV002085470.6), dbSNP rs2523387278, ClinGen allele CA338399377.
Genomic context (GRCh38, chr1:11,247,824, plus strand): 5'-GGAAAAGTGAGGTGTGGAGCTTAGGAAAAGAGGGAAAGGGCCTCTCACCACTTACCTGAT[C>A]AAATTTCTCCTCCATCAAGTCTCTGCAACACCGGCTCTCCACCAGGGTGGACTTAGCTGG-3'
Protein context (NP_004949.1, residues 361-381): CCRDLMEEKF[Asp371Tyr]QVCQWVLKCR